The following is an entry in ClinVar:

NM_000179.3(MSH6):c.1047A>C (p.Gln349His)

Gene: MSH6 (mutS homolog 6; plus strand). Cytogenetic location: 2p16.3.
Variant type: single nucleotide variant.
Coding change: c.1047A>C on transcript NM_000179.3 (MANE Select); coding-DNA position 1047, A replaced by C.
Protein change: p.Gln349His; replaces glutamine 349 with histidine.
Molecular consequence: missense variant.
Genome position (GRCh38, 1-based): chr2:47,799,030, A>C. VCF-style: chr2-47799030-A-C. GRCh37 (hg19) VCF-style: chr2-48026169-A-C.
Other names: c.657A>C, p.Gln219His (NM_001281492.2); c.141A>C, p.Gln47His (NM_001281493.2, NM_001281494.2); short protein forms Q349H, Q47H, Q219H.
Identifiers: ClinVar variation 491863 (VCV000491863.14), dbSNP rs876659112, ClinGen allele CA346741507.

ClinVar aggregate classification (germline): Uncertain significance. Review status: criteria provided, multiple submitters, no conflicts (2 of 4 stars). 3 submissions from 3 submitters: Uncertain significance (3). Last evaluated 2025-06-02.

Conditions:
Hereditary nonpolyposis colorectal neoplasms. Identifiers: MedGen C0009405, MeSH D003123.
Endometrial carcinoma. Also called: Endometrial carcinoma, somatic. Identifiers: MedGen C0476089, MONDO:0002447, OMIM 608089, HP:0012114.
Hereditary cancer-predisposing syndrome. Also called: Hereditary neoplastic syndrome; Tumor predisposition; Hereditary Cancer Syndrome; Neoplastic Syndromes, Hereditary. Identifiers: Orphanet 140162, MedGen C0027672, MeSH D009386, MONDO:0015356.

Allele frequency attached by ClinVar (database versions not stated): TOPMed below 0.00001; gnomAD 0.00001.
gnomAD v4.1: 1 of 1,614,106 alleles (0.000062%); highest among the groups gnomAD compares: East Asian, 0.0022%; no homozygotes.

Submissions (3):

Color Diagnostics, LLC DBA Color Health
Classification: Uncertain significance for Hereditary cancer-predisposing syndrome. Last evaluated: 2025-06-02. Review status: criteria provided, single submitter. Criteria: ACMG Guidelines, 2015. Collection method: clinical testing. Allele origin: germline.
Comment: This missense variant replaces glutamine with histidine at codon 349 of the MSH6 protein. Computational prediction suggests that this variant may not impact protein structure and function. To our knowledge, functional studies have not been reported for this variant. This variant has not been reported in individuals affected with MSH6-related disorders in the literature. This variant has not been identified in the general population by the Genome Aggregation Database (gnomAD). The available evidence is insufficient to determine the role of this variant in disease conclusively. Therefore, this variant is classified as a Variant of Uncertain Significance.

Baylor Genetics
Classification: Uncertain significance for Endometrial carcinoma. Last evaluated: 2023-09-05. Review status: criteria provided, single submitter. Criteria: ACMG Guidelines, 2015. Collection method: clinical testing. Allele origin: unknown.

Labcorp Genetics (formerly Invitae), Labcorp
Classification: Uncertain significance for Hereditary nonpolyposis colorectal neoplasms. Last evaluated: 2023-05-23. Review status: criteria provided, single submitter. Criteria: Invitae Variant Classification Sherloc (09022015). Collection method: clinical testing. Allele origin: germline.
Comment: Advanced modeling of protein sequence and biophysical properties (such as structural, functional, and spatial information, amino acid conservation, physicochemical variation, residue mobility, and thermodynamic stability) performed at Invitae indicates that this missense variant is not expected to disrupt MSH6 protein function. This variant has not been reported in the literature in individuals affected with MSH6-related conditions. ClinVar contains an entry for this variant (Variation ID: 491863). In summary, the available evidence is currently insufficient to determine the role of this variant in disease. Therefore, it has been classified as a Variant of Uncertain Significance. This variant is not present in population databases (gnomAD no frequency). This sequence change replaces glutamine, which is neutral and polar, with histidine, which is basic and polar, at codon 349 of the MSH6 protein (p.Gln349His).